The following is an entry in ClinVar:

NM_004655.4(AXIN2):c.2499C>T (p.Gly833=)

Gene: AXIN2 (axin 2; minus strand). Cytogenetic location: 17q24.1.
Variant type: single nucleotide variant.
Coding change: c.2499C>T on transcript NM_004655.4 (MANE Select); coding-DNA position 2499, C replaced by T.
Protein change: p.Gly833=; no amino-acid change (glycine 833 retained).
Molecular consequence: synonymous variant.
Genome position (GRCh38, 1-based): chr17:65,530,009, G>A on the plus strand (C>T on the coding strand, the complement: AXIN2 is on the minus strand). VCF-style: chr17-65530009-G-A. GRCh37 (hg19) VCF-style: chr17-63526127-G-A.
Other names: c.2304C>T, p.Gly768= (NM_001363813.1).
Identifiers: ClinVar variation 1409641 (VCV001409641.7), dbSNP rs772461187, ClinGen allele CA501475706.

ClinVar aggregate classification (germline): Benign/Likely benign. Review status: criteria provided, multiple submitters, no conflicts (2 of 4 stars). 2 submissions from 2 submitters: Benign (1); Likely benign (1). Last evaluated 2024-07-11.

Conditions:
Oligodontia-cancer predisposition syndrome. Also called: TOOTH AGENESIS-COLORECTAL CANCER SYNDROME. Identifiers: Orphanet 300576, MedGen C1837750, MONDO:0012075, OMIM 608615. Disease mechanism: loss of function.

Submissions (2):

Myriad Genetics, Inc.
Classification: Benign for Oligodontia-cancer predisposition syndrome. Last evaluated: 2024-07-11. Review status: criteria provided, single submitter. Criteria: Myriad Autosomal Dominant, Autosomal Recessive and X-Linked Classification Criteria (2023). Collection method: clinical testing. Allele origin: unknown.
Comment: This variant is considered benign. This variant is a silent/synonymous amino acid change and it is not expected to impact splicing.

Labcorp Genetics (formerly Invitae), Labcorp
Classification: Likely benign for Oligodontia-cancer predisposition syndrome. Last evaluated: 2024-02-17. Review status: criteria provided, single submitter. Criteria: Invitae Variant Classification Sherloc (09022015). Collection method: clinical testing. Allele origin: germline.